The following is an entry in ClinVar:

ClinVar aggregate classification (germline): Pathogenic (1 of 4 stars; one submission).

Submission:

Labcorp Genetics (formerly Invitae), Labcorp
Classification: Pathogenic. Last evaluated: 2018-03-21. Review status: criteria provided, single submitter. Criteria: Invitae Variant Classification Sherloc (09022015). Collection method: clinical testing. Allele origin: germline.
Comment: For these reasons, this variant has been classified as Pathogenic. Loss-of-function variants in KIAA2022 are known to be pathogenic (PMID: 23615299). This variant has not been reported in the literature in individuals with KIAA2022-related disease. This variant is not present in population databases (ExAC no frequency). This sequence change creates a premature translational stop signal (p.Pro1267Leufs*5) in the KIAA2022 gene. It is expected to result in an absent or disrupted protein product.

Literature cited by the submitters: PubMed 23615299.

NM_001008537.3(NEXMIF):c.3800del (p.Pro1267fs)

Gene: NEXMIF (neurite extension and migration factor; minus strand). Cytogenetic location: Xq13.3.
Variant type: Deletion.
Coding change: c.3800del on transcript NM_001008537.3 (MANE Select); coding-DNA position 3800, one base deleted (C; older notation c.3800delC).
Protein change: p.Pro1267fs; shifts the reading frame from proline 1267.
Molecular consequence: frameshift variant.
Genome position (GRCh38, 1-based): chrX:74,740,757, G deleted on the plus strand (C on the coding strand, the reverse complement: NEXMIF is on the minus strand); the first of 3 consecutive G bases (chrX:74,740,757-74,740,759); deleting any one gives the same sequence. VCF-style (leftmost placement, unchanged base first): chrX-74740756-AG-A. GRCh37 (hg19) VCF-style: chrX-73960591-AG-A.
Other names: short protein forms P1267fs.
Identifiers: ClinVar variation 574310 (VCV000574310.8), dbSNP rs1569334937, ClinGen allele CA891844472.